The following is an entry in ClinVar:

ClinVar aggregate classification (germline): Uncertain significance (1 of 4 stars; one submission).

Conditions:
Severe combined immunodeficiency due to DCLRE1C deficiency (RS-SCID). Also called: SCID, AUTOSOMAL RECESSIVE, T CELL-NEGATIVE, B CELL-NEGATIVE, NK CELL-POSITIVE, WITH SENSITIVITY TO IONIZING RADIATION. Identifiers: Orphanet 275, MedGen C1865371, MONDO:0011225, OMIM 602450.

Allele frequency attached by ClinVar (database versions not stated): gnomAD exomes 0.00001; ExAC 0.00001; gnomAD 0.00001; TOPMed 0.00002.
gnomAD v4.1: 26 of 1,613,730 alleles (0.0016%); highest among the groups gnomAD compares: East Asian, 0.038%; no homozygotes.

Submission:

Labcorp Genetics (formerly Invitae), Labcorp
Classification: Uncertain significance for Athabaskan severe combined immunodeficiency. Last evaluated: 2022-07-19. Review status: criteria provided, single submitter. Criteria: Invitae Variant Classification Sherloc (09022015). Collection method: clinical testing. Allele origin: germline.
Comment: This sequence change replaces proline, which is neutral and non-polar, with serine, which is neutral and polar, at codon 398 of the DCLRE1C protein (p.Pro398Ser). This variant is present in population databases (rs764820306, gnomAD 0.02%). This variant has not been reported in the literature in individuals affected with DCLRE1C-related conditions. Algorithms developed to predict the effect of missense changes on protein structure and function (SIFT, PolyPhen-2, Align-GVGD) all suggest that this variant is likely to be tolerated. In summary, the available evidence is currently insufficient to determine the role of this variant in disease. Therefore, it has been classified as a Variant of Uncertain Significance.

NM_001033855.3(DCLRE1C):c.1192C>T (p.Pro398Ser)

Gene: DCLRE1C (DNA cross-link repair 1C; minus strand). Cytogenetic location: 10p13.
Variant type: single nucleotide variant.
Coding change: c.1192C>T on transcript NM_001033855.3 (MANE Select); coding-DNA position 1192, C replaced by T.
Protein change: p.Pro398Ser; replaces proline 398 with serine.
Molecular consequence: missense variant. On other transcripts: non-coding transcript variant (4).
Genome position (GRCh38, 1-based): chr10:14,909,295, G>A on the plus strand (C>T on the coding strand, the complement: DCLRE1C is on the minus strand). VCF-style: chr10-14909295-G-A. GRCh37 (hg19) VCF-style: chr10-14951294-G-A.
Other names: c.832C>T, p.Pro278Ser (NM_001033858.3, NM_001289077.2, NM_001289079.2 and 2 more transcripts); c.847C>T, p.Pro283Ser (NM_001289076.2, NM_001289078.2, NM_001350966.2 and 1 more transcripts); c.1192C>T, p.Pro398Ser (NM_001350965.2); short protein forms P278S, P283S, P398S.
Identifiers: ClinVar variation 2196975 (VCV002196975.1), dbSNP rs764820306, ClinGen allele CA5416525.